The following is an entry in ClinVar:

ClinVar aggregate classification (germline): Uncertain significance. Review status: criteria provided, multiple submitters, no conflicts (2 of 4 stars). 4 submissions from 4 submitters: Uncertain significance (4). Last evaluated 2026-08-26.

Conditions:
Congenital hypothyroidism. Identifiers: Orphanet 442, MedGen C0010308, MONDO:0018612, HP:0000851.
Thyroid dyshormonogenesis 6 (TDH6). Also called: HYPOTHYROIDISM, CONGENITAL, DUE TO DYSHORMONOGENESIS, 6; Genetic transient congenital hypothyroidism; THYROID HORMONOGENESIS, GENETIC DEFECT IN, 6. Identifiers: Orphanet 226316, Orphanet 95716, MedGen C1846632, MONDO:0011792, OMIM 607200.

Allele frequency attached by ClinVar (database versions not stated): gnomAD 0.00002; TOPMed 0.00003.
gnomAD v4.1: 100 of 1,613,966 alleles (0.0062%); highest among the groups gnomAD compares: Non-Finnish European, 0.0081%; no homozygotes.

Submissions (4):

Cambridge Genomics Laboratory, East Genomic Laboratory Hub, NHS Genomic Medicine Service
Classification: Uncertain significance for Congenital hypothyroidism. Last evaluated: 2026-08-26. Review status: criteria provided, single submitter. Criteria: ACGS Best Practice Guidelines for Variant Classification in Rare Disease 2020. Collection method: clinical testing. Allele origin: germline. Affected: yes.
Comment: PS3_Supporting,PM1_Supporting,PM2_Supporting,PM3_Supporting,PP3

Labcorp Genetics (formerly Invitae), Labcorp
Classification: Uncertain significance. Last evaluated: 2025-10-16. Review status: criteria provided, single submitter. Criteria: Invitae Variant Classification Sherloc (09022015). Collection method: clinical testing. Allele origin: germline.
Comment: This sequence change replaces arginine, which is basic and polar, with cysteine, which is neutral and slightly polar, at codon 1492 of the DUOX2 protein (p.Arg1492Cys). This variant is present in population databases (rs747720952, gnomAD 0.01%). This missense change has been observed in individual(s) with DUOX2-related conditions (PMID: 26301257). ClinVar contains an entry for this variant (Variation ID: 884961). Invitae Evidence Modeling of protein sequence and biophysical properties (such as structural, functional, and spatial information, amino acid conservation, physicochemical variation, residue mobility, and thermodynamic stability) indicates that this missense variant is expected to disrupt DUOX2 protein function with a positive predictive value of 95%. Experimental studies have shown that this missense change affects DUOX2 function (PMID: 26301257). In summary, the available evidence is currently insufficient to determine the role of this variant in disease. Therefore, it has been classified as a Variant of Uncertain Significance.

Fulgent Genetics
Classification: Uncertain significance for Thyroid dyshormonogenesis 6. Last evaluated: 2022-05-02. Review status: criteria provided, single submitter. Criteria: ACMG Guidelines, 2015. Collection method: clinical testing. Allele origin: unknown.

Illumina Laboratory Services, Illumina
Classification: Uncertain significance for Thyroid dyshormonogenesis 6. Last evaluated: 2017-04-27. Review status: criteria provided, single submitter. Criteria: ICSL Variant Classification Criteria 13 December 2019. Collection method: clinical testing. Allele origin: germline.

Literature cited by the submitters: PubMed 26301257 (cited by Labcorp Genetics (formerly Invitae), Labcorp).

NM_001363711.2(DUOX2):c.4474C>T (p.Arg1492Cys)

Gene: DUOX2 (dual oxidase 2; minus strand). Cytogenetic location: 15q21.1.
Variant type: single nucleotide variant.
Coding change: c.4474C>T on transcript NM_001363711.2 (MANE Select); coding-DNA position 4474, C replaced by T.
Protein change: p.Arg1492Cys; replaces arginine 1492 with cysteine.
Molecular consequence: missense variant.
Genome position (GRCh38, 1-based): chr15:45,094,613, G>A on the plus strand (C>T on the coding strand, the complement: DUOX2 is on the minus strand). VCF-style: chr15-45094613-G-A. GRCh37 (hg19) VCF-style: chr15-45386811-G-A.
Other names: c.4474C>T, p.Arg1492Cys (NM_014080.5); short protein forms R1492C.
Identifiers: ClinVar variation 884961 (VCV000884961.9), dbSNP rs747720952, ClinGen allele CA7537503.